The following is an entry in ClinVar:

ClinVar aggregate classification (germline): Uncertain significance (1 of 4 stars; one submission).

Submission:

Labcorp Genetics (formerly Invitae), Labcorp
Classification: Uncertain significance. Last evaluated: 2025-04-12. Review status: criteria provided, single submitter. Criteria: Invitae Variant Classification Sherloc (09022015). Collection method: clinical testing. Allele origin: germline.
Comment: This sequence change replaces asparagine, which is neutral and polar, with threonine, which is neutral and polar, at codon 1116 of the WDFY3 protein (p.Asn1116Thr). This variant is not present in population databases (gnomAD no frequency). This variant has not been reported in the literature in individuals affected with WDFY3-related conditions. Invitae Evidence Modeling of protein sequence and biophysical properties (such as structural, functional, and spatial information, amino acid conservation, physicochemical variation, residue mobility, and thermodynamic stability) indicates that this missense variant is not expected to disrupt WDFY3 protein function with a negative predictive value of 80%. In summary, the available evidence is currently insufficient to determine the role of this variant in disease. Therefore, it has been classified as a Variant of Uncertain Significance.

NM_014991.6(WDFY3):c.3347A>C (p.Asn1116Thr)

Gene: WDFY3 (WD repeat and FYVE domain containing 3; minus strand). Cytogenetic location: 4q21.23.
Variant type: single nucleotide variant.
Coding change: c.3347A>C on transcript NM_014991.6 (MANE Select); coding-DNA position 3347, A replaced by C.
Protein change: p.Asn1116Thr; replaces asparagine 1116 with threonine.
Molecular consequence: missense variant.
Genome position (GRCh38, 1-based): chr4:84,794,659, T>G on the plus strand (A>C on the coding strand, the complement: WDFY3 is on the minus strand). VCF-style: chr4-84794659-T-G. GRCh37 (hg19) VCF-style: chr4-85715812-T-G.
Other names: short protein forms N1116T.
Identifiers: ClinVar variation 4742153 (VCV004742153.1).
Genomic context (GRCh38, chr4:84,794,659, plus strand): 5'-TAATGTTGCTCAGAAGAATTTGCTCGGCGCACAACAGTAAGAAGTCTGACAGGGTGGTTA[T>G]TTGGAGGAGAACTAAAATGTTCAATACAAAACCAGCTAGAGTAACTTAAGCCGGAGGGAG-3'
Protein context (NP_055806.2, residues 1106-1126): FCIEHFSSPP[Asn1116Thr]NHPVRLLTVV